The following is an entry in ClinVar:

NM_000350.3(ABCA4):c.2491G>T (p.Gly831Trp)

Gene: ABCA4 (ATP binding cassette subfamily A member 4; minus strand). Cytogenetic location: 1p22.1.
Variant type: single nucleotide variant.
Coding change: c.2491G>T on transcript NM_000350.3 (MANE Select); coding-DNA position 2491, G replaced by T.
Protein change: p.Gly831Trp; replaces glycine 831 with tryptophan.
Molecular consequence: missense variant.
Genome position (GRCh38, 1-based): chr1:94,055,207, C>A on the plus strand (G>T on the coding strand, the complement: ABCA4 is on the minus strand). VCF-style: chr1-94055207-C-A. GRCh37 (hg19) VCF-style: chr1-94520763-C-A.
Other names: c.2269G>T, p.Gly757Trp (NM_001425324.1); short protein forms G831W, G757W.
Identifiers: ClinVar variation 1478865 (VCV001478865.6), dbSNP rs2101067779, ClinGen allele CA341276975.

ClinVar aggregate classification (germline): Likely pathogenic (1 of 4 stars; one submission).

Submission:

Labcorp Genetics (formerly Invitae), Labcorp
Classification: Likely pathogenic. Last evaluated: 2021-10-02. Review status: criteria provided, single submitter. Criteria: Invitae Variant Classification Sherloc (09022015). Collection method: clinical testing. Allele origin: germline.
Comment: In summary, the currently available evidence indicates that the variant is pathogenic, but additional data are needed to prove that conclusively. Therefore, this variant has been classified as Likely Pathogenic. Advanced modeling of protein sequence and biophysical properties (such as structural, functional, and spatial information, amino acid conservation, physicochemical variation, residue mobility, and thermodynamic stability) performed at Invitae indicates that this missense variant is expected to disrupt ABCA4 protein function. This missense change has been observed in individual(s) with Stargardt disease (Invitae). This variant is not present in population databases (ExAC no frequency). This sequence change replaces glycine with tryptophan at codon 831 of the ABCA4 protein (p.Gly831Trp). The glycine residue is highly conserved and there is a large physicochemical difference between glycine and tryptophan.